The following is an entry in ClinVar:

NM_002890.3(RASA1):c.382C>T (p.Leu128Phe)

Gene: RASA1 (RAS p21 protein activator 1; plus strand). Cytogenetic location: 5q14.3.
Variant type: single nucleotide variant.
Coding change: c.382C>T on transcript NM_002890.3 (MANE Select); coding-DNA position 382, C replaced by T.
Protein change: p.Leu128Phe; replaces leucine 128 with phenylalanine.
Molecular consequence: missense variant.
Genome position (GRCh38, 1-based): chr5:87,268,833, C>T. VCF-style: chr5-87268833-C-T. GRCh37 (hg19) VCF-style: chr5-86564650-C-T.
Other names: short protein forms L128F.
Identifiers: ClinVar variation 2956996 (VCV002956996.3), dbSNP rs778144192, ClinGen allele CA3335418.

ClinVar aggregate classification (germline): Uncertain significance (1 of 4 stars; one submission).

Conditions:
Capillary malformation-arteriovenous malformation syndrome. Also called: Capillary malformation-arteriovenous malformation. Identifiers: Orphanet 137667, MedGen C1842180, MONDO:0012016.

Allele frequency attached by ClinVar (database versions not stated): TOPMed below 0.00001; ExAC 0.00001.
gnomAD v4.1: 1 of 1,614,130 alleles (0.000062%); highest among the groups gnomAD compares: South Asian, 0.0011%; no homozygotes.

Submission:

Labcorp Genetics (formerly Invitae), Labcorp
Classification: Uncertain significance for Capillary malformation-arteriovenous malformation syndrome. Last evaluated: 2023-12-18. Review status: criteria provided, single submitter. Criteria: Invitae Variant Classification Sherloc (09022015). Collection method: clinical testing. Allele origin: germline.
Comment: This sequence change replaces leucine, which is neutral and non-polar, with phenylalanine, which is neutral and non-polar, at codon 128 of the RASA1 protein (p.Leu128Phe). This variant is present in population databases (rs778144192, gnomAD 0.003%). This variant has not been reported in the literature in individuals affected with RASA1-related conditions. Algorithms developed to predict the effect of missense changes on protein structure and function output the following: SIFT: "Not Available"; PolyPhen-2: "Possibly Damaging"; Align-GVGD: "Not Available". The phenylalanine amino acid residue is found in multiple mammalian species, which suggests that this missense change does not adversely affect protein function. In summary, the available evidence is currently insufficient to determine the role of this variant in disease. Therefore, it has been classified as a Variant of Uncertain Significance.